The following is an entry in ClinVar:

NM_001004334.4(GPR179):c.5044G>T (p.Gly1682Ter)

Gene: GPR179 (G protein-coupled receptor 179; minus strand). Cytogenetic location: 17q12.
Variant type: single nucleotide variant.
Coding change: c.5044G>T on transcript NM_001004334.4 (MANE Select); coding-DNA position 5044, G replaced by T.
Protein change: p.Gly1682Ter; replaces glycine 1682 with a stop codon.
Molecular consequence: nonsense.
Genome position (GRCh38, 1-based): chr17:38,328,525, C>A on the plus strand (G>T on the coding strand, the complement: GPR179 is on the minus strand). VCF-style: chr17-38328525-C-A. GRCh37 (hg19) VCF-style: chr17-36484408-C-A.
Other names: short protein forms G1682*.
Identifiers: ClinVar variation 1462718 (VCV001462718.4), dbSNP rs368854236, ClinGen allele CA290103780.

ClinVar aggregate classification (germline): Uncertain significance. Review status: criteria provided, multiple submitters, no conflicts (2 of 4 stars). 2 submissions from 2 submitters: Uncertain significance (2). Last evaluated 2024-04-30.

Allele frequency attached by ClinVar (database versions not stated): gnomAD exomes 0.00001 and 0.00002; TOPMed 0.00001; ExAC 0.00002; gnomAD 0.00002; ESP Exome Variant Server 0.00008.
gnomAD v4.1: 18 of 1,613,272 alleles (0.0011%); highest among the groups gnomAD compares: Non-Finnish European, 0.0014%; no homozygotes.

Submissions (2):

Blueprint Genetics
Classification: Uncertain significance. Last evaluated: 2024-04-30. Review status: criteria provided, single submitter. Criteria: ACMG Guidelines, 2015. Collection method: clinical testing. Allele origin: germline.

Labcorp Genetics (formerly Invitae), Labcorp
Classification: Uncertain significance. Last evaluated: 2022-09-23. Review status: criteria provided, single submitter. Criteria: Invitae Variant Classification Sherloc (09022015). Collection method: clinical testing. Allele origin: germline.
Comment: This sequence change creates a premature translational stop signal (p.Gly1682*) in the GPR179 gene. While this is not anticipated to result in nonsense mediated decay, it is expected to disrupt the last 686 amino acid(s) of the GPR179 protein. This variant is present in population databases (rs368854236, gnomAD 0.003%). This variant has not been reported in the literature in individuals affected with GPR179-related conditions. ClinVar contains an entry for this variant (Variation ID: 1462718). Experimental studies and prediction algorithms are not available or were not evaluated, and the functional significance of this variant is currently unknown. In summary, the available evidence is currently insufficient to determine the role of this variant in disease. Therefore, it has been classified as a Variant of Uncertain Significance.